The following is an entry in ClinVar:

NM_001148.6(ANK2):c.6902A>T (p.Glu2301Val)

Genes: ANK2 (ankyrin 2; plus strand), LOC126807137 (CDK7 strongly-dependent group 2 enhancer GRCh37_chr4:114276560-114277759; plus strand). Cytogenetic location: 4q26.
Variant type: single nucleotide variant.
Coding change: c.6902A>T on transcript NM_001148.6 (MANE Select); coding-DNA position 6902, A replaced by T.
Protein change: p.Glu2301Val; replaces glutamic acid 2301 with valine.
Molecular consequence: missense variant. On other transcripts: intron variant (68).
Genome position (GRCh38, 1-based): chr4:113,355,520, A>T. VCF-style: chr4-113355520-A-T. GRCh37 (hg19) VCF-style: chr4-114276676-A-T.
Other names: c.6668A>T, p.Glu2223Val (NM_001386142.1); c.3302A>T, p.Glu1101Val (NM_001386166.1); c.7043A>T, p.Glu2348Val (NM_001386174.1); c.7019A>T, p.Glu2340Val (NM_001386175.1); c.4411+5271A>T (NM_001386186.2, NM_001386148.2); c.4213+5271A>T (NM_001354269.3); c.4291+5271A>T (NM_001386187.2); c.4252+5271A>T (NM_001386147.1); and 35 more; short protein forms E2348V, E2223V, E2301V, E2340V, E1101V.
Identifiers: ClinVar variation 2012960 (VCV002012960.4), dbSNP rs2505639803, ClinGen allele CA357928601.

ClinVar aggregate classification (germline): Uncertain significance (1 of 4 stars; one submission).

Conditions:
Long QT syndrome (LQTS). Identifiers: MedGen C0023976, MeSH D008133, MONDO:0002442. Disease mechanism: loss of function. Inheritance: Various modes of inheritance.

Submission:

Labcorp Genetics (formerly Invitae), Labcorp
Classification: Uncertain significance for Long QT syndrome. Last evaluated: 2022-07-01. Review status: criteria provided, single submitter. Criteria: Invitae Variant Classification Sherloc (09022015). Collection method: clinical testing. Allele origin: germline.
Comment: In summary, the available evidence is currently insufficient to determine the role of this variant in disease. Therefore, it has been classified as a Variant of Uncertain Significance. Algorithms developed to predict the effect of missense changes on protein structure and function (SIFT, PolyPhen-2, Align-GVGD) all suggest that this variant is likely to be tolerated. This variant has not been reported in the literature in individuals affected with ANK2-related conditions. This variant is not present in population databases (gnomAD no frequency). This sequence change replaces glutamic acid, which is acidic and polar, with valine, which is neutral and non-polar, at codon 2301 of the ANK2 protein (p.Glu2301Val).